The following is an entry in ClinVar:

ClinVar aggregate classification (germline): Uncertain significance (1 of 4 stars; one submission).

Conditions:
Inborn genetic diseases. Identifiers: MedGen C0950123, MeSH D030342.

Submission:

Ambry Genetics
Classification: Uncertain significance for Inborn genetic diseases. Last evaluated: 2025-09-01. Review status: criteria provided, single submitter. Criteria: Ambry Variant Classification Scheme 2023. Collection method: clinical testing. Allele origin: germline.
Comment: The p.F272S variant (also known as c.815T>C), located in coding exon 1 of the SAMD9 gene, results from a T to C substitution at nucleotide position 815. The phenylalanine at codon 272 is replaced by serine, an amino acid with highly dissimilar properties. This amino acid position is conserved. In addition, the in silico prediction for this alteration is inconclusive. Based on the available evidence, the clinical significance of this variant remains unclear.

NM_017654.4(SAMD9):c.815T>C (p.Phe272Ser)

Gene: SAMD9 (sterile alpha motif domain containing 9; minus strand). Cytogenetic location: 7q21.2.
Variant type: single nucleotide variant.
Coding change: c.815T>C on transcript NM_017654.4 (MANE Select); coding-DNA position 815, T replaced by C.
Protein change: p.Phe272Ser; replaces phenylalanine 272 with serine.
Molecular consequence: missense variant.
Genome position (GRCh38, 1-based): chr7:93,105,283, A>G on the plus strand (T>C on the coding strand, the complement: SAMD9 is on the minus strand). VCF-style: chr7-93105283-A-G. GRCh37 (hg19) VCF-style: chr7-92734596-A-G.
Other names: c.815T>C, p.Phe272Ser (NM_001193307.2); short protein forms F272S.
Identifiers: ClinVar variation 4159201 (VCV004159201.1).